The following is an entry in ClinVar:

ClinVar aggregate classification (germline): Uncertain significance (1 of 4 stars; one submission).

Allele frequency attached by ClinVar (database versions not stated): gnomAD 0.00001; gnomAD exomes 0.00001; TOPMed 0.00001.
gnomAD v4.1: 13 of 1,614,040 alleles (0.00081%); highest among the groups gnomAD compares: Non-Finnish European, 0.001%; no homozygotes.

Submission:

Labcorp Genetics (formerly Invitae), Labcorp
Classification: Uncertain significance. Last evaluated: 2024-10-14. Review status: criteria provided, single submitter. Criteria: Invitae Variant Classification Sherloc (09022015). Collection method: clinical testing. Allele origin: germline.
Comment: This sequence change replaces glycine, which is neutral and non-polar, with alanine, which is neutral and non-polar, at codon 720 of the KANK1 protein (p.Gly720Ala). This variant is present in population databases (no rsID available, gnomAD 0.002%). This variant has not been reported in the literature in individuals affected with KANK1-related conditions. ClinVar contains an entry for this variant (Variation ID: 1981713). Invitae Evidence Modeling of protein sequence and biophysical properties (such as structural, functional, and spatial information, amino acid conservation, physicochemical variation, residue mobility, and thermodynamic stability) indicates that this missense variant is expected to disrupt KANK1 protein function with a positive predictive value of 80%. In summary, the available evidence is currently insufficient to determine the role of this variant in disease. Therefore, it has been classified as a Variant of Uncertain Significance.

NM_015158.5(KANK1):c.2159G>C (p.Gly720Ala)

Gene: KANK1 (KN motif and ankyrin repeat domains 1; plus strand). Cytogenetic location: 9p24.3.
Variant type: single nucleotide variant.
Coding change: c.2159G>C on transcript NM_015158.5 (MANE Select); coding-DNA position 2159, G replaced by C.
Protein change: p.Gly720Ala; replaces glycine 720 with alanine.
Molecular consequence: missense variant. On other transcripts: non-coding transcript variant (1).
Genome position (GRCh38, 1-based): chr9:712,925, G>C. VCF-style: chr9-712925-G-C. GRCh37 (hg19) VCF-style: chr9-712925-G-C.
Other names: c.2159G>C, p.Gly720Ala (NM_001256876.3, NM_001256877.3, NM_001354331.2 and 2 more transcripts); c.1685G>C, p.Gly562Ala (NM_001354333.2, NM_001354335.2, NM_001354336.2 and 9 more transcripts); short protein forms G562A, G720A.
Identifiers: ClinVar variation 1981713 (VCV001981713.4), dbSNP rs1037537432, ClinGen allele CA372749706.